The following is an entry in ClinVar:

NM_001385641.1(SAMD11):c.1786C>T (p.Arg596Trp)

Gene: SAMD11 (sterile alpha motif domain containing 11; plus strand). Cytogenetic location: 1p36.33.
Variant type: single nucleotide variant.
Coding change: c.1786C>T on transcript NM_001385641.1 (MANE Select); coding-DNA position 1786, C replaced by T.
Protein change: p.Arg596Trp; replaces arginine 596 with tryptophan.
Molecular consequence: missense variant.
Genome position (GRCh38, 1-based): chr1:942,791, C>T. VCF-style: chr1-942791-C-T. GRCh37 (hg19) VCF-style: chr1-878171-C-T.
Other names: c.1789C>T, p.Arg597Trp (NM_001385640.1); c.1297C>T, p.Arg433Trp (NM_152486.4); short protein forms R433W, R596W, R597W.
Identifiers: ClinVar variation 967631 (VCV000967631.10), dbSNP rs371254076, ClinGen allele CA502994.

ClinVar aggregate classification (germline): Uncertain significance. Review status: criteria provided, multiple submitters, no conflicts (2 of 4 stars). 2 submissions from 2 submitters: Uncertain significance (2). Last evaluated 2025-09-22.

Allele frequency attached by ClinVar (database versions not stated): gnomAD 0.00005 and 0.00006; gnomAD exomes 0.00012; ExAC 0.00010; TOPMed 0.00006.

Submissions (2):

Ambry Genetics
Classification: Uncertain significance. Last evaluated: 2025-09-22. Review status: criteria provided, single submitter. Criteria: Ambry Variant Classification Scheme 2023. Collection method: clinical testing. Allele origin: germline.

Labcorp Genetics (formerly Invitae), Labcorp
Classification: Uncertain significance. Last evaluated: 2023-12-11. Review status: criteria provided, single submitter. Criteria: Invitae Variant Classification Sherloc (09022015). Collection method: clinical testing. Allele origin: germline.
Comment: This sequence change replaces arginine, which is basic and polar, with tryptophan, which is neutral and slightly polar, at codon 433 of the SAMD11 protein (p.Arg433Trp). This variant is present in population databases (rs371254076, gnomAD 0.1%). This variant has not been reported in the literature in individuals affected with SAMD11-related conditions. ClinVar contains an entry for this variant (Variation ID: 967631). An algorithm developed to predict the effect of missense changes on protein structure and function (PolyPhen-2) suggests that this variant is likely to be disruptive. In summary, the available evidence is currently insufficient to determine the role of this variant in disease. Therefore, it has been classified as a Variant of Uncertain Significance.